The following is an entry in ClinVar:

ClinVar aggregate classification (germline): Pathogenic/Likely pathogenic. Review status: criteria provided, multiple submitters, no conflicts (2 of 4 stars). 2 submissions from 2 submitters: Pathogenic (1); Likely pathogenic (1). Last evaluated 2024-09-05.

Conditions:
Bethlem myopathy 1A. Also called: Bethlem myopathy 1; Bethlem Muscular Dystrophy; MYOPATHY, BENIGN CONGENITAL, WITH CONTRACTURES. Identifiers: Orphanet 610, MedGen CN029274, MONDO:0024530, OMIM 158810.

Submissions (2):

GeneDx
Classification: Pathogenic. Last evaluated: 2024-09-05. Review status: criteria provided, single submitter. Criteria: GeneDx Variant Classification Process June 2021. Collection method: clinical testing. Allele origin: germline. Affected: yes.
Comment: Replaces the glycine in the canonical Gly-X-Y repeat of the triple helical domain and is expected to disrupt normal protein folding and function, which is an established mechanism of disease (HGMD); Not observed at significant frequency in large population cohorts (gnomAD); In silico analysis supports that this missense variant has a deleterious effect on protein structure/function; Has not been previously published as pathogenic or benign to our knowledge

Labcorp Genetics (formerly Invitae), Labcorp
Classification: Likely pathogenic for Bethlem myopathy 1A. Last evaluated: 2022-06-27. Review status: criteria provided, single submitter. Criteria: Invitae Variant Classification Sherloc (09022015). Collection method: clinical testing. Allele origin: germline.
Comment: In summary, the currently available evidence indicates that the variant is pathogenic, but additional data are needed to prove that conclusively. Therefore, this variant has been classified as Likely Pathogenic. This variant disrupts the p.Gly262 amino acid residue in COL6A2. Other variant(s) that disrupt this residue have been observed in individuals with COL6A2-related conditions (PMID: 18160674, 34167565), which suggests that this may be a clinically significant amino acid residue. This variant disrupts the triple helix domain of COL6A2. Glycine residues within the Gly-Xaa-Yaa repeats of the triple helix domain are required for the structure and stability of fibrillar collagens (PMID: 7695699, 8218237, 19344236). In COL6A2, missense variants at these glycine residues are significantly enriched in individuals with autosomal dominant disease (PMID: 15689448, 24038877) compared to the general population (ExAC). Advanced modeling of protein sequence and biophysical properties (such as structural, functional, and spatial information, amino acid conservation, physicochemical variation, residue mobility, and thermodynamic stability) performed at Invitae indicates that this missense variant is expected to disrupt COL6A2 protein function. This variant has not been reported in the literature in individuals affected with COL6A2-related conditions. This variant is not present in population databases (gnomAD no frequency). This sequence change replaces glycine, which is neutral and non-polar, with cysteine, which is neutral and slightly polar, at codon 262 of the COL6A2 protein (p.Gly262Cys).

Literature cited by the submitters: PubMed 18160674 (cited by Labcorp Genetics (formerly Invitae), Labcorp); PubMed 34167565 (cited by Labcorp Genetics (formerly Invitae), Labcorp); PubMed 7695699 (cited by Labcorp Genetics (formerly Invitae), Labcorp); PubMed 8218237 (cited by Labcorp Genetics (formerly Invitae), Labcorp); PubMed 19344236 (cited by Labcorp Genetics (formerly Invitae), Labcorp); PubMed 15689448 (cited by Labcorp Genetics (formerly Invitae), Labcorp); PubMed 24038877 (cited by Labcorp Genetics (formerly Invitae), Labcorp).

NM_001849.4(COL6A2):c.784G>T (p.Gly262Cys)

Gene: COL6A2 (collagen type VI alpha 2 chain; plus strand). Cytogenetic location: 21q22.3.
Variant type: single nucleotide variant.
Coding change: c.784G>T on transcript NM_001849.4 (MANE Select); coding-DNA position 784, G replaced by T.
Protein change: p.Gly262Cys; replaces glycine 262 with cysteine.
Molecular consequence: missense variant.
Genome position (GRCh38, 1-based): chr21:46,114,056, G>T. VCF-style: chr21-46114056-G-T. GRCh37 (hg19) VCF-style: chr21-47533970-G-T.
Other names: c.784G>T, p.Gly262Cys (NM_058174.3, NM_058175.3); c.784G>T (NM_001849.3); short protein forms G262C.
Identifiers: ClinVar variation 1495471 (VCV001495471.7), dbSNP rs2123620765, ClinGen allele CA410523539.